The following is an entry in ClinVar:

NM_000440.3(PDE6A):c.*2853C>G

Gene: PDE6A (phosphodiesterase 6A; minus strand). Cytogenetic location: 5q32.
Variant type: single nucleotide variant.
Coding change: c.*2853C>G on transcript NM_000440.3 (MANE Select); 2853 bases downstream of the stop codon, C replaced by G.
Molecular consequence: 3 prime UTR variant.
Genome position (GRCh38, 1-based): chr5:149,858,042, G>C on the plus strand (C>G on the coding strand, the complement: PDE6A is on the minus strand). VCF-style: chr5-149858042-G-C. GRCh37 (hg19) VCF-style: chr5-149237605-G-C.
Identifiers: ClinVar variation 351937 (VCV000351937.5), dbSNP rs73796297, ClinGen allele CA10619610.
Genomic context (GRCh38, chr5:149,858,042, plus strand): 5'-GAGACAGAGGAATGTGTTACATGCGGCCACAAAGAAACAAACAGATAAATACAGAATGTG[G>C]GAAAACTGACTCTGTTTCTGCAAGGTGATGACAATGGAAAAAAGGAAGGAGTACTTTGTA-3'

ClinVar aggregate classification (germline): Likely benign (1 of 4 stars; one submission).

Conditions:
Retinitis pigmentosa (RP). Identifiers: Orphanet 791, MedGen C0035334, MeSH D012174, MONDO:0019200, OMIM 268000. Inheritance: Autosomal dominant, autosomal recessive and X linked inheritance.

Allele frequency attached by ClinVar (database versions not stated): gnomAD 0.00857 and 0.00920; 1000 Genomes Project 0.00859; 1000 Genomes Project 30x 0.00937; TOPMed 0.00961.

Submission:

Illumina Laboratory Services, Illumina
Classification: Likely benign for Retinitis pigmentosa. Last evaluated: 2018-01-12. Review status: criteria provided, single submitter. Criteria: ICSL Variant Classification Criteria 13 December 2019. Collection method: clinical testing. Allele origin: germline.
Comment: This variant was observed in the ICSL laboratory as part of a predisposition screen in an ostensibly healthy population. It had not been previously curated by ICSL or reported in the Human Gene Mutation Database (HGMD: prior to June 1st, 2018), and was therefore a candidate for classification through an automated scoring system. Utilizing variant allele frequency, disease prevalence and penetrance estimates, and inheritance mode, an automated score was calculated to assess if this variant is too frequent to cause the disease. Based on the score and internal cut-off values, a variant classified as likely benign is not then subjected to further curation. The score for this variant resulted in a classification of likely benign for this disease.